The following is an entry in ClinVar:

NM_001393769.1(MED12L):c.3271C>G (p.Leu1091Val)

Genes: MED12L (mediator complex subunit 12L; plus strand), P2RY12 (purinergic receptor P2Y12; minus strand). Cytogenetic location: 3q25.1.
Variant type: single nucleotide variant.
Coding change: c.3271C>G on transcript NM_001393769.1 (MANE Select); coding-DNA position 3271, C replaced by G.
Protein change: p.Leu1091Val; replaces leucine 1091 with valine.
Molecular consequence: missense variant. On other transcripts: intron variant (1).
Genome position (GRCh38, 1-based): chr3:151,365,935, C>G. VCF-style: chr3-151365935-C-G. GRCh37 (hg19) VCF-style: chr3-151083723-C-G.
Other names: c.3166C>G, p.Leu1056Val (NM_053002.6); c.-180+18757G>C (NM_022788.5); short protein forms L1056V, L1091V.
Identifiers: ClinVar variation 1707006 (VCV001707006.2), dbSNP rs1293146972, ClinGen allele CA354969854.

ClinVar aggregate classification (germline): Uncertain significance (1 of 4 stars; one submission).

gnomAD v4.1: 1 of 1,613,362 alleles (0.000062%); highest among the groups gnomAD compares: Non-Finnish European, 0.000085%; no homozygotes.

Submission:

GeneDx
Classification: Uncertain significance. Last evaluated: 2022-03-24. Review status: criteria provided, single submitter. Criteria: GeneDx Variant Classification Process June 2021. Collection method: clinical testing. Allele origin: germline. Affected: yes.
Comment: Not observed at significant frequency in large population cohorts (gnomAD); In silico analysis supports that this missense variant has a deleterious effect on protein structure/function; Has not been previously published as pathogenic or benign to our knowledge